The following is an entry in ClinVar:

ClinVar aggregate classification (germline): Uncertain significance. Review status: criteria provided, multiple submitters, no conflicts (2 of 4 stars). 2 submissions from 2 submitters: Uncertain significance (2). Last evaluated 2025-03-07.

Conditions:
Hereditary cancer-predisposing syndrome. Also called: Hereditary Cancer Syndrome; Tumor predisposition; Hereditary neoplastic syndrome; Neoplastic Syndromes, Hereditary. Identifiers: Orphanet 140162, MedGen C0027672, MeSH D009386, MONDO:0015356.
Renal cell carcinoma. Identifiers: Orphanet 217071, MedGen C0007134, MeSH D002292, MONDO:0005086, HP:0005584.

Allele frequency attached by ClinVar (database versions not stated): gnomAD exomes below 0.00001 and 0.00001; gnomAD 0.00001.

Submissions (2):

Ambry Genetics
Classification: Uncertain significance for Hereditary cancer-predisposing syndrome. Last evaluated: 2025-03-07. Review status: criteria provided, single submitter. Criteria: Ambry Variant Classification Scheme 2023. Collection method: clinical testing. Allele origin: germline.
Comment: The p.M1247T variant (also known as c.3740T>C), located in coding exon 18 of the MET gene, results from a T to C substitution at nucleotide position 3740. The methionine at codon 1247 is replaced by threonine, an amino acid with similar properties. This amino acid position is conserved. In addition, the in silico prediction for this alteration is inconclusive. Based on the available evidence, the clinical significance of this variant remains unclear.

Labcorp Genetics (formerly Invitae), Labcorp
Classification: Uncertain significance for Renal cell carcinoma. Last evaluated: 2024-04-29. Review status: criteria provided, single submitter. Criteria: Invitae Variant Classification Sherloc (09022015). Collection method: clinical testing. Allele origin: germline.
Comment: This sequence change replaces methionine, which is neutral and non-polar, with threonine, which is neutral and polar, at codon 1247 of the MET protein (p.Met1247Thr). This variant is present in population databases (no rsID available, gnomAD 0.003%). This variant has not been reported in the literature in individuals affected with MET-related conditions. ClinVar contains an entry for this variant (Variation ID: 1056298). Advanced modeling of protein sequence and biophysical properties (such as structural, functional, and spatial information, amino acid conservation, physicochemical variation, residue mobility, and thermodynamic stability) performed at Invitae indicates that this missense variant is not expected to disrupt MET protein function with a negative predictive value of 80%. In summary, the available evidence is currently insufficient to determine the role of this variant in disease. Therefore, it has been classified as a Variant of Uncertain Significance.

NM_000245.4(MET):c.3686T>C (p.Met1229Thr)

Gene: MET (MET proto-oncogene, receptor tyrosine kinase; plus strand). Cytogenetic location: 7q31.2.
Variant type: single nucleotide variant.
Coding change: c.3686T>C on transcript NM_000245.4 (MANE Select); coding-DNA position 3686, T replaced by C.
Protein change: p.Met1229Thr; replaces methionine 1229 with threonine.
Molecular consequence: missense variant.
Genome position (GRCh38, 1-based): chr7:116,783,357, T>C. VCF-style: chr7-116783357-T-C. GRCh37 (hg19) VCF-style: chr7-116423411-T-C.
Other names: c.3740T>C, p.Met1247Thr (NM_001127500.3); c.2396T>C, p.Met799Thr (NM_001324402.2); c.3740T>C (NM_001127500.1); short protein forms M1229T, M1247T, M799T.
Identifiers: ClinVar variation 1056298 (VCV001056298.8), dbSNP rs1193542215, ClinGen allele CA368991584.